The following is an entry in ClinVar:

NM_017514.5(PLXNA3):c.4917C>T (p.Asp1639=)

Gene: PLXNA3 (plexin A3; plus strand). Cytogenetic location: Xq28.
Variant type: single nucleotide variant.
Coding change: c.4917C>T on transcript NM_017514.5 (MANE Select); coding-DNA position 4917, C replaced by T.
Protein change: p.Asp1639=; no amino-acid change (aspartic acid 1639 retained).
Molecular consequence: synonymous variant.
Genome position (GRCh38, 1-based): chrX:154,470,098, C>T. VCF-style: chrX-154470098-C-T. GRCh37 (hg19) VCF-style: chrX-153698441-C-T.
Identifiers: ClinVar variation 4990964 (VCV004990964.1).

ClinVar aggregate classification (germline): Likely benign (1 of 4 stars; one submission).

Conditions:
PLXNA3-related disorder. Also called: PLXNA3-related condition.

Submission:

PreventionGenetics, part of Exact Sciences
Classification: Likely benign for PLXNA3-related condition. Last evaluated: 2026-09-23. Review status: criteria provided, single submitter. Criteria: ACMG Guidelines, 2015. Collection method: clinical testing. Allele origin: germline.
Comment: This variant is classified as likely benign based on ACMG/AMP sequence variant interpretation guidelines (Richards et al. 2015 PMID: 25741868, with internal and published modifications).